The following is an entry in ClinVar:

NM_001110556.2(FLNA):c.1608C>T (p.Gly536=)

Gene: FLNA (filamin A; minus strand). Cytogenetic location: Xq28.
Variant type: single nucleotide variant.
Coding change: c.1608C>T on transcript NM_001110556.2 (MANE Select); coding-DNA position 1608, C replaced by T.
Protein change: p.Gly536=; no amino-acid change (glycine 536 retained).
Molecular consequence: synonymous variant.
Genome position (GRCh38, 1-based): chrX:154,365,219, G>A on the plus strand (C>T on the coding strand, the complement: FLNA is on the minus strand). VCF-style: chrX-154365219-G-A. GRCh37 (hg19) VCF-style: chrX-153593587-G-A.
Other names: c.1608C>T, p.Gly536= (NM_001456.4).
Identifiers: ClinVar variation 863839 (VCV000863839.13), dbSNP rs782699813, ClinGen allele CA10561136.

ClinVar aggregate classification (germline): Likely benign. Review status: criteria provided, multiple submitters, no conflicts (2 of 4 stars). 4 submissions from 4 submitters: Likely benign (4). Last evaluated 2025-07-14.

Conditions:
Familial thoracic aortic aneurysm and aortic dissection (TAAD). Also called: Thoracic aortic aneurysms and dissections. Identifiers: Orphanet 91387, MedGen C4707243, MONDO:0019625.
Heterotopia, periventricular, X-linked dominant (PVNH1). Also called: PERIVENTRICULAR NODULAR HETEROTOPIA 1; PERIVENTRICULAR NODULAR HETEROTOPIA 4; HETEROTOPIA, PERIVENTRICULAR, 1; X-linked periventricular heterotopia. Identifiers: Orphanet 2149, Orphanet 82004, MedGen C1848213, MONDO:0010233, OMIM 300049.
Melnick-Needles syndrome (MNS). Also called: MELNICK-NEEDLES OSTEODYSPLASTY; OSTEODYSPLASTY OF MELNICK AND NEEDLES; Melnick-Needles Syndrome (FLNA-MNS). Identifiers: Orphanet 2484, MedGen C0025237, MONDO:0010650, OMIM 309350.
Oto-palato-digital syndrome, type II (OPD2). Also called: Otopalatodigital Syndrome, Type II; OPD II SYNDROME; Otopalatodigital Syndrome Type 2 (FLNA-OPD2); FACIOPALATOOSSEOUS SYNDROME. Identifiers: Orphanet 669, Orphanet 90652, MedGen C1844696, MONDO:0010571, OMIM 304120.
Frontometaphyseal dysplasia (FMD1). Identifiers: Orphanet 1826, MedGen C0265293, MONDO:0015942.

Allele frequency attached by ClinVar (database versions not stated): gnomAD exomes below 0.00001 and 0.00001; ExAC 0.00001; gnomAD 0.00001; TOPMed 0.00001.

Submissions (8):

Labcorp Genetics (formerly Invitae), Labcorp
Classification: Likely benign for Oto-palato-digital syndrome, type II; Heterotopia, periventricular, X-linked dominant; Frontometaphyseal dysplasia; Melnick-Needles syndrome. Last evaluated: 2025-07-14. Review status: criteria provided, single submitter. Criteria: Invitae Variant Classification Sherloc (09022015). Collection method: clinical testing. Allele origin: germline.

Women's Health and Genetics/Laboratory Corporation of America, LabCorp
Classification: Likely benign. Last evaluated: 2024-10-28. Review status: criteria provided, single submitter. Criteria: LabCorp Variant Classification Summary - May 2015. Collection method: clinical testing. Allele origin: germline.
Comment: Variant summary: FLNA c.1608C>T alters a non-conserved nucleotide resulting in a synonymous change. Consensus agreement among computation tools predict no significant impact on normal splicing. However, these predictions have yet to be confirmed by functional studies. The variant allele was found at a frequency of 5.5e-06 in 181629 control chromosomes (gnomAD). The available data on variant occurrences in the general population are insufficient to allow any conclusion about variant significance. To our knowledge, no occurrence of c.1608C>T in individuals affected with Periventricular Nodular Heterotopia and no experimental evidence demonstrating its impact on protein function have been reported. ClinVar contains an entry for this variant (Variation ID: 863839). Based on the evidence outlined above, the variant was classified as likely benign.

Blueprint Genetics
Classification: Likely benign. Last evaluated: 2022-12-09. Review status: criteria provided, single submitter. Criteria: ACMG Guidelines, 2015. Collection method: clinical testing. Allele origin: germline.

Ambry Genetics
Classification: Likely benign for Familial thoracic aortic aneurysm and aortic dissection. Last evaluated: 2020-01-02. Review status: criteria provided, single submitter. Criteria: Ambry Variant Classification Scheme 2023. Collection method: clinical testing. Allele origin: germline.

Dr. Peter K. Rogan Lab, Western University
No classification provided (evidence only). Condition: Thyroid cancer, nonmedullary, 1. Review status: no classification provided. Collection method: in vitro. Allele origin: not applicable. Functional consequence: retained intron. Not counted in ClinVar's aggregate classification.

Dr. Peter K. Rogan Lab, Western University
No classification provided (evidence only). Condition: Thyroid cancer, nonmedullary, 1. Review status: no classification provided. Collection method: in vitro. Allele origin: not applicable. Functional consequence: retained intron. Not counted in ClinVar's aggregate classification.

Dr. Peter K. Rogan Lab, Western University
No classification provided (evidence only). Condition: Thyroid cancer, nonmedullary, 1. Review status: no classification provided. Collection method: in vitro. Allele origin: not applicable. Functional consequence: retained intron. Not counted in ClinVar's aggregate classification.

Dr. Peter K. Rogan Lab, Western University
No classification provided (evidence only). Condition: Thyroid cancer, nonmedullary, 1. Review status: no classification provided. Collection method: in vitro. Allele origin: not applicable. Functional consequence: retained intron. Not counted in ClinVar's aggregate classification.